The following is an entry in ClinVar:

ClinVar aggregate classification (germline): Uncertain significance. Review status: criteria provided, multiple submitters, no conflicts (2 of 4 stars). 3 submissions from 3 submitters: Uncertain significance (3). Last evaluated 2026-04-22.

Conditions:
Bardet-Biedl syndrome (BBS). Identifiers: Orphanet 110, MedGen C0752166, MONDO:0015229.
BBS9-related disorder. Also called: BBS9-related condition.
Inborn genetic diseases. Identifiers: MedGen C0950123, MeSH D030342.

Allele frequency attached by ClinVar (database versions not stated): TOPMed 0.00001.
gnomAD v4.1: 118 of 1,613,536 alleles (0.0073%); highest among the groups gnomAD compares: Non-Finnish European, 0.01%; no homozygotes.

Submissions (3):

PreventionGenetics, part of Exact Sciences
Classification: Uncertain significance for BBS9-related condition. Last evaluated: 2026-04-22. Review status: criteria provided, single submitter. Criteria: ACMG Guidelines, 2015. Collection method: clinical testing. Allele origin: germline.
Comment: The BBS9 c.767C>G variant is predicted to result in the amino acid substitution p.Ser256Trp. To our knowledge, this variant has not been reported in the literature. This variant is reported in 0.0018% of alleles in individuals of European (Non-Finnish) descent in gnomAD. At this time, the clinical significance of this variant is uncertain due to the absence of conclusive functional and genetic evidence.

Ambry Genetics
Classification: Uncertain significance for Inborn genetic diseases. Last evaluated: 2025-07-15. Review status: criteria provided, single submitter. Criteria: Ambry Variant Classification Scheme 2023. Collection method: clinical testing. Allele origin: germline.

Labcorp Genetics (formerly Invitae), Labcorp
Classification: Uncertain significance for Bardet-Biedl syndrome. Last evaluated: 2022-08-16. Review status: criteria provided, single submitter. Criteria: Invitae Variant Classification Sherloc (09022015). Collection method: clinical testing. Allele origin: germline.
Comment: This sequence change replaces serine, which is neutral and polar, with tryptophan, which is neutral and slightly polar, at codon 256 of the BBS9 protein (p.Ser256Trp). This variant is present in population databases (rs149790873, gnomAD 0.002%). This variant has not been reported in the literature in individuals affected with BBS9-related conditions. ClinVar contains an entry for this variant (Variation ID: 1011952). Algorithms developed to predict the effect of missense changes on protein structure and function (SIFT, PolyPhen-2, Align-GVGD) all suggest that this variant is likely to be disruptive. Algorithms developed to predict the effect of sequence changes on RNA splicing suggest that this variant may create or strengthen a splice site. In summary, the available evidence is currently insufficient to determine the role of this variant in disease. Therefore, it has been classified as a Variant of Uncertain Significance.

NM_198428.3(BBS9):c.767C>G (p.Ser256Trp)

Gene: BBS9 (Bardet-Biedl syndrome 9; plus strand). Cytogenetic location: 7p14.3.
Variant type: single nucleotide variant.
Coding change: c.767C>G on transcript NM_198428.3 (MANE Select); coding-DNA position 767, C replaced by G.
Protein change: p.Ser256Trp; replaces serine 256 with tryptophan.
Molecular consequence: missense variant. On other transcripts: non-coding transcript variant (3).
Genome position (GRCh38, 1-based): chr7:33,273,076, C>G. VCF-style: chr7-33273076-C-G. GRCh37 (hg19) VCF-style: chr7-33312688-C-G.
Other names: c.767C>G, p.Ser256Trp (NM_001033604.2, NM_001033605.2, NM_001348036.1 and 5 more transcripts); c.401C>G, p.Ser134Trp (NM_001348037.3, NM_001348044.3, NM_001348045.3 and 1 more transcripts); c.494C>G, p.Ser165Trp (NM_001348038.3, NM_001348039.3); c.632C>G, p.Ser211Trp (NM_001348042.3); c.767C>G (NM_198428.2); short protein forms S134W, S165W, S211W, S256W.
Identifiers: ClinVar variation 1011952 (VCV001011952.9), dbSNP rs149790873, ClinGen allele CA4214108.